The following is an entry in ClinVar:

NM_003072.5(SMARCA4):c.234C>A (p.Ser78=)

Gene: SMARCA4 (SWI/SNF related BAF chromatin remodeling complex subunit ATPase 4; plus strand). Cytogenetic location: 19p13.2.
Variant type: single nucleotide variant.
Coding change: c.234C>A on transcript NM_003072.5 (MANE Select); coding-DNA position 234, C replaced by A.
Protein change: p.Ser78=; no amino-acid change (serine 78 retained).
Molecular consequence: synonymous variant. On other transcripts: non-coding transcript variant (1).
Genome position (GRCh38, 1-based): chr19:10,985,284, C>A. VCF-style: chr19-10985284-C-A. GRCh37 (hg19) VCF-style: chr19-11095960-C-A.
Other names: c.234C>A, p.Ser78= (NM_001128844.3, NM_001128845.2, NM_001128846.2 and 5 more transcripts).
Identifiers: ClinVar variation 1146072 (VCV001146072.13), dbSNP rs1568419701, ClinGen allele CA505487686.

ClinVar aggregate classification (germline): Conflicting classifications of pathogenicity. Review status: criteria provided, conflicting classifications (1 of 4 stars). 4 submissions from 4 submitters: Uncertain significance (1); Benign (1); Likely benign (2). Last evaluated 2026-07-08.

Conditions:
Rhabdoid tumor predisposition syndrome 2 (RTPS2). Identifiers: Orphanet 231108, Orphanet 69077, MedGen C2750074, MONDO:0013224, OMIM 613325.
Hereditary cancer-predisposing syndrome. Also called: Hereditary Cancer Syndrome; Hereditary neoplastic syndrome; Neoplastic Syndromes, Hereditary; Tumor predisposition. Identifiers: Orphanet 140162, MedGen C0027672, MeSH D009386, MONDO:0015356.

Allele frequency attached by ClinVar (database versions not stated): TOPMed below 0.00001; gnomAD exomes below 0.00001.
gnomAD v4.1: 4 of 1,613,980 alleles (0.00025%); highest among the groups gnomAD compares: Admixed American, 0.005%; no homozygotes.

Submissions (4):

Myriad Genetics, Inc.
Classification: Benign for Rhabdoid tumor predisposition syndrome 2. Last evaluated: 2026-07-08. Review status: criteria provided, single submitter. Criteria: Myriad Autosomal Dominant, Autosomal Recessive and X-Linked Classification Criteria (2023). Collection method: clinical testing. Allele origin: unknown.
Comment: This variant is considered benign. This variant is a silent/synonymous amino acid change and it is not expected to impact splicing.

Labcorp Genetics (formerly Invitae), Labcorp
Classification: Likely benign for Rhabdoid tumor predisposition syndrome 2. Last evaluated: 2025-11-02. Review status: criteria provided, single submitter. Criteria: Invitae Variant Classification Sherloc (09022015). Collection method: clinical testing. Allele origin: germline.

Sema4
Classification: Uncertain significance for Hereditary cancer-predisposing syndrome. Last evaluated: 2021-12-02. Review status: criteria provided, single submitter. Criteria: Sema4 Curation Guidelines. Collection method: curation. Allele origin: germline.
Comment: The SMARCA4 c.234C>A (p.S78=) variant has not been reported in the literature to our knowledge. This variant was observed in 1/34588 chromosomes in the Latino population according to the Genome Aggregation Database (PMID: 32461654). This variant has been reported in ClinVar (Variation ID 1146072). The nucleotide is moderately conserved and in silico tools that predict the effect of sequence changes on splicing suggest that this variant may not impact splicing, though these predictions have not been confirmed by functional studies. There is no indication that this variant causes disease, but the evidence is insufficient currently to prove that conclusively. In summary, the clinical significance of this variant is currently uncertain.

Ambry Genetics
Classification: Likely benign for Hereditary cancer-predisposing syndrome. Last evaluated: 2021-06-18. Review status: criteria provided, single submitter. Criteria: Ambry Variant Classification Scheme 2023. Collection method: clinical testing. Allele origin: germline.